The following is an entry in ClinVar:

NM_000551.4(VHL):c.379_380insCAG (p.Asp126_Gly127insAla)

Genes: VHL (von Hippel-Lindau tumor suppressor; plus strand), LOC107303340 (3p25 von Hippel-Lindau tumor suppressor, E3 ubiquitin protein ligase Alu-mediated recombination region; plus strand). Cytogenetic location: 3p25.3.
Variant type: Insertion.
Coding change: c.379_380insCAG on transcript NM_000551.4 (MANE Select); coding-DNA positions 379 to 380, CAG inserted.
Protein change: p.Asp126_Gly127insAla.
Molecular consequence: inframe insertion. On other transcripts: intron variant (2).
Genome position: GRCh38 VCF-style: chr3-10146551-T-TGCA. GRCh37 (hg19) VCF-style: chr3-10188235-T-TGCA.
Other names: c.*18-3235_*18-3234insCAG (NM_001354723.2); c.341-3235_341-3234insCAG (NM_198156.3).
Identifiers: ClinVar variation 578561 (VCV000578561.10), dbSNP rs1559428103, ClinGen allele CA891843324.

ClinVar aggregate classification (germline): Conflicting classifications of pathogenicity. Review status: criteria provided, conflicting classifications (1 of 4 stars). 2 submissions from 2 submitters: Likely pathogenic (1); Uncertain significance (1). Last evaluated 2024-12-05.

Conditions:
Hereditary cancer-predisposing syndrome. Also called: Hereditary neoplastic syndrome; Tumor predisposition; Hereditary Cancer Syndrome; Neoplastic Syndromes, Hereditary. Identifiers: Orphanet 140162, MedGen C0027672, MeSH D009386, MONDO:0015356.
Chuvash polycythemia. Also called: POLYCYTHEMIA, VHL-DEPENDENT. Identifiers: Orphanet 238557, MedGen C1837915, MONDO:0009892, OMIM 263400.
Von Hippel-Lindau syndrome (VHLS). Also called: VHL syndrome; von Hippel–Lindau syndrome; Von Hippel-Lindau. Identifiers: Orphanet 892, MedGen C0019562, MONDO:0008667, OMIM 193300. Disease mechanism: loss of function.

Submissions (2):

Ambry Genetics
Classification: Likely pathogenic for Hereditary cancer-predisposing syndrome. Last evaluated: 2024-12-05. Review status: criteria provided, single submitter. Criteria: Ambry Variant Classification Scheme 2023. Collection method: clinical testing. Allele origin: germline.
Comment: The c.379_380insCAG variant (also known as p.D126_G127insA), located in coding exon 2 of the VHL gene, results from an in-frame CAG insertion at nucleotide positions 379 to 380. This results in the insertion of an extra alanine residue between codons 126 and 127. This variant was determined to be de novo in at least one individual with features consistent with Von Hippel Lindau syndrome (Ambry internal data). This amino acid region is well conserved in available vertebrate species. In addition, this alteration is predicted to be deleterious by in silico analysis (Choi Y et al. PLoS ONE. 2012; 7(10):e46688). Based on the majority of available evidence to date, this variant is likely to be pathogenic.

Labcorp Genetics (formerly Invitae), Labcorp
Classification: Uncertain significance for Von Hippel-Lindau syndrome; Chuvash polycythemia. Last evaluated: 2018-03-22. Review status: criteria provided, single submitter. Criteria: Invitae Variant Classification Sherloc (09022015). Collection method: clinical testing. Allele origin: germline.
Comment: This variant, c.379_380insCAG, results in the insertion of 1 amino acid(s) to the VHL protein (p.Asp126_Gly127insAla), but otherwise preserves the integrity of the reading frame. This variant is not present in population databases (ExAC no frequency). This variant has not been reported in the literature in individuals with VHL-related disease. Experimental studies and prediction algorithms are not available for this variant, and the functional significance of the disrupted amino acids is currently unknown. In summary, the available evidence is currently insufficient to determine the role of this variant in disease. Therefore, it has been classified as a Variant of Uncertain Significance.